The following is an entry in ClinVar:

ClinVar aggregate classification (germline): Uncertain significance (1 of 4 stars; one submission).

Allele frequency attached by ClinVar (database versions not stated): gnomAD 0.00001; TOPMed 0.00003; ExAC 0.00004; ESP Exome Variant Server 0.00008.
gnomAD v4.1: 32 of 1,603,440 alleles (0.002%); highest among the groups gnomAD compares: South Asian, 0.015%; no homozygotes.

Submission:

Labcorp Genetics (formerly Invitae), Labcorp
Classification: Uncertain significance. Last evaluated: 2025-06-30. Review status: criteria provided, single submitter. Criteria: Invitae Variant Classification Sherloc (09022015). Collection method: clinical testing. Allele origin: germline.
Comment: This sequence change replaces arginine, which is basic and polar, with glutamine, which is neutral and polar, at codon 26 of the DSG1 protein (p.Arg26Gln). This variant is present in population databases (rs371750753, gnomAD 0.03%). This variant has not been reported in the literature in individuals affected with DSG1-related conditions. ClinVar contains an entry for this variant (Variation ID: 1923248). Invitae Evidence Modeling of protein sequence and biophysical properties (such as structural, functional, and spatial information, amino acid conservation, physicochemical variation, residue mobility, and thermodynamic stability) indicates that this missense variant is not expected to disrupt DSG1 protein function with a negative predictive value of 80%. In summary, the available evidence is currently insufficient to determine the role of this variant in disease. Therefore, it has been classified as a Variant of Uncertain Significance.

NM_001942.4(DSG1):c.77G>A (p.Arg26Gln)

Gene: DSG1 (desmoglein 1; plus strand). Cytogenetic location: 18q12.1.
Variant type: single nucleotide variant.
Coding change: c.77G>A on transcript NM_001942.4 (MANE Select); coding-DNA position 77, G replaced by A.
Protein change: p.Arg26Gln; replaces arginine 26 with glutamine.
Molecular consequence: missense variant.
Genome position (GRCh38, 1-based): chr18:31,326,609, G>A. VCF-style: chr18-31326609-G-A. GRCh37 (hg19) VCF-style: chr18-28906572-G-A.
Other names: short protein forms R26Q.
Identifiers: ClinVar variation 1923248 (VCV001923248.5), dbSNP rs371750753, ClinGen allele CA8925744.